The following is an entry in ClinVar:

ClinVar aggregate classification (germline): Uncertain significance (1 of 4 stars; one submission).

Submission:

Labcorp Genetics (formerly Invitae), Labcorp
Classification: Uncertain significance. Last evaluated: 2025-05-04. Review status: criteria provided, single submitter. Criteria: Invitae Variant Classification Sherloc (09022015). Collection method: clinical testing. Allele origin: germline.
Comment: This sequence change replaces serine, which is neutral and polar, with asparagine, which is neutral and polar, at codon 529 of the TNFRSF11A protein (p.Ser529Asn). This variant is not present in population databases (gnomAD no frequency). This variant has not been reported in the literature in individuals affected with TNFRSF11A-related conditions. ClinVar contains an entry for this variant (Variation ID: 2817648). An algorithm developed to predict the effect of missense changes on protein structure and function (PolyPhen-2) suggests that this variant is likely to be disruptive. In summary, the available evidence is currently insufficient to determine the role of this variant in disease. Therefore, it has been classified as a Variant of Uncertain Significance.

NM_003839.4(TNFRSF11A):c.1586G>A (p.Ser529Asn)

Gene: TNFRSF11A (TNF receptor superfamily member 11a; plus strand). Cytogenetic location: 18q21.33.
Variant type: single nucleotide variant.
Coding change: c.1586G>A on transcript NM_003839.4 (MANE Select); coding-DNA position 1586, G replaced by A.
Protein change: p.Ser529Asn; replaces serine 529 with asparagine.
Molecular consequence: missense variant. On other transcripts: 3 prime UTR variant (1).
Genome position (GRCh38, 1-based): chr18:62,384,769, G>A. VCF-style: chr18-62384769-G-A. GRCh37 (hg19) VCF-style: chr18-60052002-G-A.
Other names: c.*10G>A (NM_001270949.2); c.749G>A, p.Ser250Asn (NM_001270950.2); c.635G>A, p.Ser212Asn (NM_001270951.2); c.1544G>A, p.Ser515Asn (NM_001278268.2); short protein forms S250N, S212N, S515N, S529N.
Identifiers: ClinVar variation 2817648 (VCV002817648.3), dbSNP rs2511620419, ClinGen allele CA402619690.
Genomic context (GRCh38, chr18:62,384,769, plus strand): 5'-GCTGACTCACCCTCCCCGTGTTCTCCCTTCCTCTCCCCGCAGGAAATGTGACTGGAAACA[G>A]TAACTCCACGTTCATCTCCAGCGGGCAGGTGATGAACTTCAAGGGCGACATCATCGTGGT-3'
Protein context (NP_003830.1, residues 519-539): SPASGNVTGN[Ser529Asn]NSTFISSGQV